The following is an entry in ClinVar:

ClinVar aggregate classification (germline): Uncertain significance (1 of 4 stars; one submission).

Conditions:
Hereditary cancer-predisposing syndrome. Also called: Hereditary neoplastic syndrome; Neoplastic Syndromes, Hereditary; Tumor predisposition; Hereditary Cancer Syndrome. Identifiers: Orphanet 140162, MedGen C0027672, MeSH D009386, MONDO:0015356.

Submission:

Ambry Genetics
Classification: Uncertain significance for Hereditary cancer-predisposing syndrome. Last evaluated: 2025-08-04. Review status: criteria provided, single submitter. Criteria: Ambry Variant Classification Scheme 2023. Collection method: clinical testing. Allele origin: germline.
Comment: The p.E63Q variant (also known as c.187G>C), located in coding exon 1 of the POLD1 gene, results from a G to C substitution at nucleotide position 187. The glutamic acid at codon 63 is replaced by glutamine, an amino acid with highly similar properties. This amino acid position is conserved. In addition, this alteration is predicted to be tolerated by in silico analysis. Based on the available evidence, the clinical significance of this variant remains unclear.

NM_002691.4(POLD1):c.187G>C (p.Glu63Gln)

Gene: POLD1 (DNA polymerase delta 1, catalytic subunit; plus strand). Cytogenetic location: 19q13.33.
Variant type: single nucleotide variant.
Coding change: c.187G>C on transcript NM_002691.4 (MANE Select); coding-DNA position 187, G replaced by C.
Protein change: p.Glu63Gln; replaces glutamic acid 63 with glutamine.
Molecular consequence: missense variant. On other transcripts: non-coding transcript variant (1).
Genome position (GRCh38, 1-based): chr19:50,399,038, G>C. VCF-style: chr19-50399038-G-C. GRCh37 (hg19) VCF-style: chr19-50902295-G-C.
Other names: c.187G>C, p.Glu63Gln (NM_001256849.1, NM_001308632.1, NM_001438210.1 and 3 more transcripts); short protein forms E63Q.
Identifiers: ClinVar variation 4141016 (VCV004141016.1).